The following is an entry in ClinVar:

ClinVar aggregate classification (germline): Uncertain significance (0 of 4 stars; one submission).

Conditions:
MAP1B-related disorder. Also called: MAP1B-related condition.

gnomAD v4.1: 1 of 1,613,560 alleles (0.000062%); no homozygotes.

Submission:

PreventionGenetics, part of Exact Sciences
Classification: Uncertain significance for MAP1B-related condition. Last evaluated: 2024-04-11. Review status: no assertion criteria provided. Collection method: clinical testing. Allele origin: germline.
Comment: The MAP1B c.1888C>T variant is predicted to result in the amino acid substitution p.Pro630Ser. To our knowledge, this variant has not been reported in the literature or in a large population database, indicating this variant is rare. At this time, the clinical significance of this variant is uncertain due to the absence of conclusive functional and genetic evidence.

NM_005909.5(MAP1B):c.1888C>T (p.Pro630Ser)

Gene: MAP1B (microtubule associated protein 1B; plus strand). Cytogenetic location: 5q13.2.
Variant type: single nucleotide variant.
Coding change: c.1888C>T on transcript NM_005909.5 (MANE Select); coding-DNA position 1888, C replaced by T.
Protein change: p.Pro630Ser; replaces proline 630 with serine.
Molecular consequence: missense variant.
Genome position (GRCh38, 1-based): chr5:72,195,243, C>T. VCF-style: chr5-72195243-C-T. GRCh37 (hg19) VCF-style: chr5-71491070-C-T.
Other names: c.1510C>T, p.Pro504Ser (NM_001324255.2); short protein forms P504S, P630S.
Identifiers: ClinVar variation 3357427 (VCV003357427.1).